The following is an entry in ClinVar:

NM_000359.3(TGM1):c.1165C>T (p.Arg389Cys)

Gene: TGM1 (transglutaminase 1; minus strand). Cytogenetic location: 14q12.
Variant type: single nucleotide variant.
Coding change: c.1165C>T on transcript NM_000359.3 (MANE Select); coding-DNA position 1165, C replaced by T.
Protein change: p.Arg389Cys; replaces arginine 389 with cysteine.
Molecular consequence: missense variant.
Genome position (GRCh38, 1-based): chr14:24,258,668, G>A on the plus strand (C>T on the coding strand, the complement: TGM1 is on the minus strand). VCF-style: chr14-24258668-G-A. GRCh37 (hg19) VCF-style: chr14-24727874-G-A.
Other names: c.1165C>T (NM_000359.2); short protein forms R389C.
Identifiers: ClinVar variation 2152677 (VCV002152677.5), dbSNP rs757905282, ClinGen allele CA7131156.

ClinVar aggregate classification (germline): Likely pathogenic. Review status: criteria provided, multiple submitters, no conflicts (2 of 4 stars). 2 submissions from 2 submitters: Likely pathogenic (2). Last evaluated 2025-12-23.

Conditions:
Autosomal recessive congenital ichthyosis 1 (LI1). Also called: LAMELLAR EXFOLIATION OF NEWBORN; ICHTHYOSIS, CONGENITAL, AUTOSOMAL RECESSIVE 1, WITH BATHING SUIT DISTRIBUTION; COLLODION FETUS; DESQUAMATION OF NEWBORN; ICHTHYOSIS, CONGENITAL, AUTOSOMAL RECESSIVE 1, WITH OR WITHOUT BATHING SUIT DISTRIBUTION; ICHTHYOSIS CONGENITA. Identifiers: MedGen C4551630, MONDO:0009441, OMIM 242300.

Allele frequency attached by ClinVar (database versions not stated): ExAC 0.00001; TOPMed 0.00001; gnomAD 0.00002.

Submissions (2):

Labcorp Genetics (formerly Invitae), Labcorp
Classification: Likely pathogenic. Last evaluated: 2025-12-23. Review status: criteria provided, single submitter. Criteria: Invitae Variant Classification Sherloc (09022015). Collection method: clinical testing. Allele origin: germline.
Comment: This sequence change replaces arginine, which is basic and polar, with cysteine, which is neutral and slightly polar, at codon 389 of the TGM1 protein (p.Arg389Cys). This variant is present in population databases (rs757905282, gnomAD 0.006%). This missense change has been observed in individual(s) with lamellar ichthyosis (PMID: 33786896). ClinVar contains an entry for this variant (Variation ID: 2152677). Invitae Evidence Modeling of protein sequence and biophysical properties (such as structural, functional, and spatial information, amino acid conservation, physicochemical variation, residue mobility, and thermodynamic stability) indicates that this missense variant is expected to disrupt TGM1 protein function with a positive predictive value of 95%. This variant disrupts the p.Arg389 amino acid residue in TGM1. Other variant(s) that disrupt this residue have been determined to be pathogenic (PMID: 16968736, 19241467). This suggests that this residue is clinically significant, and that variants that disrupt this residue are likely to be disease-causing. In summary, the currently available evidence indicates that the variant is pathogenic, but additional data are needed to prove that conclusively. Therefore, this variant has been classified as Likely Pathogenic.

Natera, Inc.
Classification: Likely pathogenic for Autosomal recessive congenital ichthyosis type 1. Last evaluated: 2025-04-14. Review status: criteria provided, single submitter. Criteria: Natera Variant Classification Schema (03/2026). Collection method: clinical testing. Allele origin: germline.
Comment: The c.1165C>T variant in TGM1 is a missense variant predicted to cause substitution of arginine to cysteine at amino acid 389. This variant is rare in the general population with a frequency below the threshold expected for the associated phenotype(s). This variant has been observed in one or more individuals affected with the associated recessive disease, as either homozygous or compound heterozygous with a second variant (PMID: 33786896). A different variant at the same position has been determined to be Pathogenic or Likely Pathogenic. Computational prediction algorithms indicate this variant is likely to affect gene or protein function. Given the available evidence, this variant is classified as Likely Pathogenic.

Literature cited by the submitters: PubMed 33786896 (cited by Labcorp Genetics (formerly Invitae), Labcorp and Natera, Inc.); PubMed 16968736 (cited by Labcorp Genetics (formerly Invitae), Labcorp); PubMed 19241467 (cited by Labcorp Genetics (formerly Invitae), Labcorp).